The following is an entry in ClinVar:

ClinVar aggregate classification (germline): Uncertain significance (1 of 4 stars; one submission).

Submission:

Labcorp Genetics (formerly Invitae), Labcorp
Classification: Uncertain significance. Last evaluated: 2024-05-29. Review status: criteria provided, single submitter. Criteria: Invitae Variant Classification Sherloc (09022015). Collection method: clinical testing. Allele origin: germline.
Comment: This sequence change replaces glutamic acid, which is acidic and polar, with aspartic acid, which is acidic and polar, at codon 53 of the ZNF513 protein (p.Glu53Asp). This variant is not present in population databases (gnomAD no frequency). This variant has not been reported in the literature in individuals affected with ZNF513-related conditions. An algorithm developed to predict the effect of missense changes on protein structure and function (PolyPhen-2) suggests that this variant is likely to be tolerated. In summary, the available evidence is currently insufficient to determine the role of this variant in disease. Therefore, it has been classified as a Variant of Uncertain Significance.

NM_144631.6(ZNF513):c.159G>C (p.Glu53Asp)

Gene: ZNF513 (zinc finger protein 513; minus strand). Cytogenetic location: 2p23.3.
Variant type: single nucleotide variant.
Coding change: c.159G>C on transcript NM_144631.6 (MANE Select); coding-DNA position 159, G replaced by C.
Protein change: p.Glu53Asp; replaces glutamic acid 53 with aspartic acid.
Molecular consequence: missense variant. On other transcripts: 5 prime UTR variant (1).
Genome position (GRCh38, 1-based): chr2:27,380,145, C>G on the plus strand (G>C on the coding strand, the complement: ZNF513 is on the minus strand). VCF-style: chr2-27380145-C-G. GRCh37 (hg19) VCF-style: chr2-27603012-C-G.
Other names: c.-28G>C (NM_001201459.2); short protein forms E53D.
Identifiers: ClinVar variation 3655039 (VCV003655039.2).